The following is an entry in ClinVar:

NM_015158.5(KANK1):c.939G>C (p.Gln313His)

Gene: KANK1 (KN motif and ankyrin repeat domains 1; plus strand). Cytogenetic location: 9p24.3.
Variant type: single nucleotide variant.
Coding change: c.939G>C on transcript NM_015158.5 (MANE Select); coding-DNA position 939, G replaced by C.
Protein change: p.Gln313His; replaces glutamine 313 with histidine.
Molecular consequence: missense variant. On other transcripts: non-coding transcript variant (1).
Genome position (GRCh38, 1-based): chr9:711,705, G>C. VCF-style: chr9-711705-G-C. GRCh37 (hg19) VCF-style: chr9-711705-G-C.
Other names: c.939G>C, p.Gln313His (NM_001256876.3, NM_001256877.3, NM_001354331.2 and 2 more transcripts); c.465G>C, p.Gln155His (NM_001354333.2, NM_001354335.2, NM_001354336.2 and 9 more transcripts); short protein forms Q155H, Q313H.
Identifiers: ClinVar variation 2814642 (VCV002814642.3), dbSNP rs777200466, ClinGen allele CA4960076.

ClinVar aggregate classification (germline): Uncertain significance (1 of 4 stars; one submission).

Allele frequency attached by ClinVar (database versions not stated): ExAC 0.00001; gnomAD 0.00001.
gnomAD v4.1: 3 of 1,614,098 alleles (0.00019%); highest among the groups gnomAD compares: Admixed American, 0.0033%; no homozygotes.

Submission:

Labcorp Genetics (formerly Invitae), Labcorp
Classification: Uncertain significance. Last evaluated: 2023-10-29. Review status: criteria provided, single submitter. Criteria: Invitae Variant Classification Sherloc (09022015). Collection method: clinical testing. Allele origin: germline.
Comment: This sequence change replaces glutamine, which is neutral and polar, with histidine, which is basic and polar, at codon 313 of the KANK1 protein (p.Gln313His). This variant is present in population databases (rs777200466, gnomAD 0.006%). This variant has not been reported in the literature in individuals affected with KANK1-related conditions. An algorithm developed to predict the effect of missense changes on protein structure and function (PolyPhen-2) suggests that this variant is likely to be disruptive. In summary, the available evidence is currently insufficient to determine the role of this variant in disease. Therefore, it has been classified as a Variant of Uncertain Significance.